The following is an entry in ClinVar:

ClinVar aggregate classification (germline): Pathogenic (1 of 4 stars; one submission).

Submission:

Labcorp Genetics (formerly Invitae), Labcorp
Classification: Pathogenic. Last evaluated: 2025-05-01. Review status: criteria provided, single submitter. Criteria: Invitae Variant Classification Sherloc (09022015). Collection method: clinical testing. Allele origin: germline.
Comment: This sequence change creates a premature translational stop signal (p.Ala90Thrfs*112) in the P3H2 gene. It is expected to result in an absent or disrupted protein product. Loss-of-function variants in P3H2 are known to be pathogenic (PMID: 24172257, 25469533). This variant is not present in population databases (gnomAD no frequency). This variant has not been reported in the literature in individuals affected with P3H2-related conditions. For these reasons, this variant has been classified as Pathogenic.

Literature cited by the submitters: PubMed 24172257; PubMed 25469533.

NM_018192.4(P3H2):c.267_273del (p.Ala90fs)

Gene: P3H2 (prolyl 3-hydroxylase 2; minus strand). Cytogenetic location: 3q28.
Variant type: Deletion.
Coding change: c.267_273del on transcript NM_018192.4 (MANE Select); coding-DNA positions 267 to 273, 7 bases deleted (GGCGCGC; older notation c.267_273delGGCGCGC).
Protein change: p.Ala90fs; shifts the reading frame from alanine 90.
Molecular consequence: frameshift variant. On other transcripts: intron variant (1).
Genome position (GRCh38, 1-based): chr3:190,120,459-190,120,465, GCGCGCC deleted on the plus strand (GGCGCGC on the coding strand, the reverse complement: P3H2 is on the minus strand); deleting any 7 consecutive bases within chr3:190,120,459-190,120,469 gives the same sequence; the c. name uses the placement nearest the transcript's 3' end. VCF-style (leftmost placement, unchanged base first): chr3-190120458-GGCGCGCC-G. GRCh37 (hg19) VCF-style: chr3-189838247-GGCGCGCC-G.
Other names: c.-64+1738_-64+1744del (NM_001134418.2); short protein forms A90fs.
Identifiers: ClinVar variation 4745577 (VCV004745577.1).